The following is an entry in ClinVar:

NC_000015.9:g.(?_80465346)_(80465496_?)del

Gene: FAH (fumarylacetoacetate hydrolase; plus strand). Cytogenetic location: 15q25.1.
Variant type: Deletion.
Identifiers: ClinVar variation 2422437 (VCV002422437.4).

ClinVar aggregate classification (germline): Pathogenic (1 of 4 stars; one submission).

Conditions:
Tyrosinemia type I (TYRSN1). Also called: HEPATORENAL TYROSINEMIA; Tyrosinemia type 1; Fumarylacetoacetase deficiency; Deficiency of fumarylacetoacetase; FAH DEFICIENCY. Identifiers: Orphanet 882, MedGen C0268490, MONDO:0010161, OMIM 276700. Disease mechanism: loss of function.

Submission:

Labcorp Genetics (formerly Invitae), Labcorp
Classification: Pathogenic for Tyrosinemia type I. Last evaluated: 2022-07-01. Review status: criteria provided, single submitter. Criteria: Invitae Variant Classification Sherloc (09022015). Collection method: clinical testing. Allele origin: germline.
Comment: For these reasons, this variant has been classified as Pathogenic. This variant has not been reported in the literature in individuals affected with FAH-related conditions. This variant is a gross deletion of the genomic region encompassing exon(s) 9 of the FAH gene. This deletion is out-of-frame, and is expected to create a premature termination codon and result in an absent or disrupted protein product. Loss-of-function variants in FAH are known to be pathogenic (PMID: 9101289, 9633815).

Literature cited by the submitters: PubMed 9101289; PubMed 9633815.